The following is an entry in ClinVar:

NM_001282680.3(GAPVD1):c.4152T>G (p.Ser1384=)

Gene: GAPVD1 (GTPase activating protein and VPS9 domains 1; plus strand). Cytogenetic location: 9q33.3.
Variant type: single nucleotide variant.
Coding change: c.4152T>G on transcript NM_001282680.3 (MANE Select); coding-DNA position 4152, T replaced by G.
Protein change: p.Ser1384=; no amino-acid change (serine 1384 retained).
Molecular consequence: synonymous variant. On other transcripts: non-coding transcript variant (2).
Genome position (GRCh38, 1-based): chr9:125,360,635, T>G. VCF-style: chr9-125360635-T-G. GRCh37 (hg19) VCF-style: chr9-128122914-T-G.
Other names: c.4206T>G, p.Ser1402= (NM_001282679.2); c.4089T>G, p.Ser1363= (NM_001282681.3, NM_001354297.2, NM_001354300.2); c.4008T>G, p.Ser1336= (NM_001330777.3); c.4071T>G, p.Ser1357= (NM_001330778.3); c.4152T>G, p.Ser1384= (NM_001354294.2, NM_001354295.2, NM_001354296.2 and 3 more transcripts); c.4233T>G, p.Ser1411= (NM_015635.4).
Identifiers: ClinVar variation 3050782 (VCV003050782.2), dbSNP rs866131895, ClinGen allele CA199811876.

ClinVar aggregate classification (germline): Likely benign (0 of 4 stars; one submission).

Conditions:
GAPVD1-related disorder. Also called: GAPVD1-related condition.

Allele frequency attached by ClinVar (database versions not stated): gnomAD exomes 0.00003.
gnomAD v4.1: 16 of 1,614,004 alleles (0.00099%); highest among the groups gnomAD compares: Middle Eastern, 0.26%; no homozygotes.

Submission:

PreventionGenetics, part of Exact Sciences
Classification: Likely benign for GAPVD1-related condition. Last evaluated: 2019-07-24. Review status: no assertion criteria provided. Collection method: clinical testing. Allele origin: germline.
Comment: This variant is classified as likely benign based on ACMG/AMP sequence variant interpretation guidelines (Richards et al. 2015 PMID: 25741868, with internal and published modifications).